The following is an entry in ClinVar:

ClinVar aggregate classification (germline): Pathogenic (1 of 4 stars; one submission).

Submission:

Illumina Laboratory Services, Illumina
Classification: Pathogenic. Last evaluated: 2020-03-26. Review status: criteria provided, single submitter. Criteria: ICSL CNVClassificationCriteria Jul2020Prior. Collection method: clinical testing. Allele origin: unknown.
Comment: This CNV is a 7.5 Mb duplication of 12p13.33-p13.31 on chromosome 12, (seq[GRCh37]dup(12)(p13.33p13.31); chr12:g.189145_7730395dup). The CNV constitutes a gain encompassing 169 genes which overlaps with the region associated with trisomy 12p syndrome. Trisomy 12p syndrome is a rare condition characterized by developmental delay, intellectual disability, and dysmorphic features including a flat face with full cheeks, high forehead, short nose, broad nasal bridge, anteverted nostrils, smooth philtrum, ear anomalies, a short neck, and hand or foot deformities. Additional common features includes hypotonia, vision problems, dental anomalies, feeding difficulties, and seizures. Some individuals may also present with hearing loss, heart anomalies, brain anomalies, infections, and eczema. Duplications of the complete arm, partial duplications, mosaicism, and derivative chromosomes have been identified in affected individuals. Variability and severity in phenotype has been described based on the size, presence of a second copy number variant, or presence of mosaicism (Segel et al. 2006; Poirsier et al. 2014). Two individuals have been described with CNVs that are fully encompassed within the CNV in question. One individual had two approximately 0.3 Mb duplications, at 12p13.33 and 21q22.3, and presented with developmental delay, recurrent infections, hypotonia, facial dysmorphic features, and hand and foot anomalies. Agenesis of the corpus callosum and cataracts were also noted. The authors indicate that characteristics can be attributed to either the 12p13.33 or the 21q22.3 gain and suggest hypotonia and dysmorphic features are specifically due to the 12p duplication (Mekkawy et al. 2015). A second individual with tetrasomy of the 12p region presented with a related condition, Pallister-Killian syndrome (Vermeesch et al. 2005). Control data are unavailable in the literature for this CNV which is absent from population databases including the Database of Genomic Variants and the Genome Aggregation Database. Based on the collective evidence, this CNV is classified as pathogenic.

Literature cited by the submitters: PubMed 16179227; PubMed 16502429; PubMed 24503147; PubMed 26749249.

GRCh37/hg19 12p13.33-13.31(chr12:189145-7730395)x3

Genes: IQSEC3 (IQ motif and Sec7 domain ArfGEF 3; plus strand), ZNF384 (zinc finger protein 384; minus strand), LPAR5 (lysophosphatidic acid receptor 5; minus strand), LPCAT3 (lysophosphatidylcholine acyltransferase 3; minus strand), LRRC23 (leucine rich repeat containing 23; plus strand) and 90 more. Cytogenetic location: 12p13.33-13.31.
Variant type: copy number gain.
Change: copy number 3 (three copies instead of two) of chr12:189,145-7,730,395 (7.54 Mb, GRCh37 coordinates, 1-based), cytogenetic band 12p13.33-13.31.
Identifiers: ClinVar variation 1180524 (VCV001180524.4).